The following is an entry in ClinVar:

ClinVar aggregate classification (germline): Uncertain significance. Review status: criteria provided, multiple submitters, no conflicts (2 of 4 stars). 2 submissions from 2 submitters: Uncertain significance (2). Last evaluated 2025-08-11.

Conditions:
Inborn genetic diseases. Identifiers: MedGen C0950123, MeSH D030342.

Allele frequency attached by ClinVar (database versions not stated): TOPMed below 0.00001; gnomAD 0.00001.
gnomAD v4.1: 4 of 1,602,684 alleles (0.00025%); highest among the groups gnomAD compares: East Asian, 0.0022%; no homozygotes.

Submissions (2):

Ambry Genetics
Classification: Uncertain significance for Inborn genetic diseases. Last evaluated: 2025-08-11. Review status: criteria provided, single submitter. Criteria: Ambry Variant Classification Scheme 2023. Collection method: clinical testing. Allele origin: germline.

Labcorp Genetics (formerly Invitae), Labcorp
Classification: Uncertain significance. Last evaluated: 2023-05-30. Review status: criteria provided, single submitter. Criteria: Invitae Variant Classification Sherloc (09022015). Collection method: clinical testing. Allele origin: germline.
Comment: This variant is not present in population databases (gnomAD no frequency). This sequence change replaces asparagine, which is neutral and polar, with isoleucine, which is neutral and non-polar, at codon 271 of the ACAN protein (p.Asn271Ile). In summary, the available evidence is currently insufficient to determine the role of this variant in disease. Therefore, it has been classified as a Variant of Uncertain Significance. Advanced modeling of protein sequence and biophysical properties (such as structural, functional, and spatial information, amino acid conservation, physicochemical variation, residue mobility, and thermodynamic stability) performed at Invitae indicates that this missense variant is not expected to disrupt ACAN protein function. This variant has not been reported in the literature in individuals affected with ACAN-related conditions.

NM_001369268.1(ACAN):c.812A>T (p.Asn271Ile)

Gene: ACAN (aggrecan; plus strand). Cytogenetic location: 15q26.1.
Variant type: single nucleotide variant.
Coding change: c.812A>T on transcript NM_001369268.1 (MANE Select); coding-DNA position 812, A replaced by T.
Protein change: p.Asn271Ile; replaces asparagine 271 with isoleucine.
Molecular consequence: missense variant.
Genome position (GRCh38, 1-based): chr15:88,843,409, A>T. VCF-style: chr15-88843409-A-T. GRCh37 (hg19) VCF-style: chr15-89386640-A-T.
Other names: c.812A>T (NM_013227.3); c.812A>T, p.Asn271Ile (NM_001135.4, NM_001411096.1, NM_001411097.1 and 1 more transcripts); short protein forms N271I.
Identifiers: ClinVar variation 2999639 (VCV002999639.4), dbSNP rs754225607, ClinGen allele CA393707459.
Genomic context (GRCh38, chr15:88,843,409, plus strand): 5'-TCACAGGTGAGGTCTTTTATGCAACATCTCCAGAGAAGTTCACCTTCCAGGAAGCAGCCA[A>T]TGAGTGCCGGCGGCTGGGTGCCCGGCTGGCCACCACGGGCCAGCTCTACCTGGCCTGGCA-3'
Protein context (NP_001356197.1, residues 261-281): PEKFTFQEAA[Asn271Ile]ECRRLGARLA